The following is an entry in ClinVar:

ClinVar aggregate classification (germline): Uncertain significance. Review status: criteria provided, multiple submitters, no conflicts (2 of 4 stars). 2 submissions from 2 submitters: Uncertain significance (2). Last evaluated 2021-11-19.

Conditions:
Autosomal recessive limb-girdle muscular dystrophy type 2K. Also called: MUSCULAR DYSTROPHY-DYSTROGLYCANOPATHY (LIMB-GIRDLE), TYPE C, 1; MUSCULAR DYSTROPHY, LIMB-GIRDLE, TYPE 2K. Identifiers: Orphanet 86812, MedGen C1836373, MONDO:0012248, OMIM 609308.
Muscular dystrophy-dystroglycanopathy (congenital with impaired intellectual development), type B, 1. Also called: Muscular dystrophy-dystroglycanopathy (congenital with intellectual disability), type B1; MUSCULAR DYSTROPHY, CONGENITAL, POMT1-RELATED. Identifiers: MedGen C5436962, MONDO:0013159, OMIM 613155.
Walker-Warburg congenital muscular dystrophy. Also called: Muscular dystrophy-dystroglycanopathy, type A; Walker-Warburg syndrome. Identifiers: Orphanet 899, MedGen C0265221, MONDO:0000171.

Allele frequency attached by ClinVar (database versions not stated): ExAC 0.00002; gnomAD 0.00001 and 0.00003; gnomAD exomes 0.00001; TOPMed 0.00003.
gnomAD v4.1: 22 of 1,614,096 alleles (0.0014%); highest among the groups gnomAD compares: Admixed American, 0.0067%; no homozygotes.

Submissions (2):

Labcorp Genetics (formerly Invitae), Labcorp
Classification: Uncertain significance for Muscular dystrophy-dystroglycanopathy (congenital with impaired intellectual development), type B, 1; Walker-Warburg congenital muscular dystrophy; Autosomal recessive limb-girdle muscular dystrophy type 2K. Last evaluated: 2021-11-19. Review status: criteria provided, single submitter. Criteria: Invitae Variant Classification Sherloc (09022015). Collection method: clinical testing. Allele origin: germline.
Comment: This sequence change replaces glycine, which is neutral and non-polar, with serine, which is neutral and polar, at codon 645 of the POMT1 protein (p.Gly645Ser). This variant is present in population databases (rs756303645, gnomAD 0.006%). This variant has not been reported in the literature in individuals affected with POMT1-related conditions. ClinVar contains an entry for this variant (Variation ID: 365282). Algorithms developed to predict the effect of missense changes on protein structure and function are either unavailable or do not agree on the potential impact of this missense change (SIFT: "Tolerated"; PolyPhen-2: "Probably Damaging"; Align-GVGD: "Class C0"). Algorithms developed to predict the effect of sequence changes on RNA splicing suggest that this variant may create or strengthen a splice site. In summary, the available evidence is currently insufficient to determine the role of this variant in disease. Therefore, it has been classified as a Variant of Uncertain Significance.

Illumina Laboratory Services, Illumina
Classification: Uncertain significance for Autosomal recessive limb-girdle muscular dystrophy type 2K. Last evaluated: 2018-01-12. Review status: criteria provided, single submitter. Criteria: ICSL Variant Classification Criteria 13 December 2019. Collection method: clinical testing. Allele origin: germline.

NM_001077365.2(POMT1):c.1867G>A (p.Gly623Ser)

Gene: POMT1 (protein O-mannosyltransferase 1; plus strand). Cytogenetic location: 9q34.13.
Variant type: single nucleotide variant.
Coding change: c.1867G>A on transcript NM_001077365.2 (MANE Select); coding-DNA position 1867, G replaced by A.
Protein change: p.Gly623Ser; replaces glycine 623 with serine.
Molecular consequence: missense variant. On other transcripts: non-coding transcript variant (10).
Genome position (GRCh38, 1-based): chr9:131,522,088, G>A. VCF-style: chr9-131522088-G-A. GRCh37 (hg19) VCF-style: chr9-134397475-G-A.
Other names: c.1705G>A, p.Gly569Ser (NM_001077366.2, NM_001353194.2); c.1867G>A, p.Gly623Ser (NM_001136113.2); c.1516G>A, p.Gly506Ser (NM_001136114.2, NM_001353195.2, NM_001374691.1 and 2 more transcripts); c.1933G>A, p.Gly645Ser (NM_001353193.2, NM_007171.4); c.1777G>A, p.Gly593Ser (NM_001353196.2); c.1771G>A, p.Gly591Ser (NM_001353197.2, NM_001353198.2); c.1582G>A, p.Gly528Ser (NM_001353199.2); c.1411G>A, p.Gly471Ser (NM_001353200.2); and 3 more; short protein forms G645S, G528S, G569S, G593S, G623S, G506S, G591S, G471S.
Identifiers: ClinVar variation 365282 (VCV000365282.8), dbSNP rs756303645, ClinGen allele CA5293874.